The following is an entry in ClinVar:

NM_006892.4(DNMT3B):c.1359G>C (p.Gly453=)

Gene: DNMT3B (DNA methyltransferase 3 beta; plus strand). Cytogenetic location: 20q11.21.
Variant type: single nucleotide variant.
Coding change: c.1359G>C on transcript NM_006892.4 (MANE Select); coding-DNA position 1359, G replaced by C.
Protein change: p.Gly453=; no amino-acid change (glycine 453 retained).
Molecular consequence: synonymous variant.
Genome position (GRCh38, 1-based): chr20:32,796,851, G>C. VCF-style: chr20-32796851-G-C. GRCh37 (hg19) VCF-style: chr20-31384657-G-C.
Other names: c.1173G>C, p.Gly391= (NM_001207055.2); c.1071G>C, p.Gly357= (NM_001207056.2); c.1299G>C, p.Gly433= (NM_175848.2, NM_175849.2); c.1335G>C, p.Gly445= (NM_175850.3).
Identifiers: ClinVar variation 740164 (VCV000740164.35), dbSNP rs35216603, ClinGen allele CA9810536.

ClinVar aggregate classification (germline): Likely benign. Review status: criteria provided, multiple submitters, no conflicts (2 of 4 stars). 3 submissions from 3 submitters: Likely benign (3). Last evaluated 2026-01-18.

Conditions:
Centromeric instability of chromosomes 1,9 and 16 and immunodeficiency (ICF1). Also called: IMMUNE DEFICIENCY, VARIABLE, WITH CENTROMERIC INSTABILITY OF CHROMOSOMES 1, 9, AND 16; IMMUNODEFICIENCY SYNDROME, VARIABLE; Immunodeficiency-centromeric instability-facial anomalies; CENTROMERIC INSTABILITY, IMMUNODEFICIENCY SYNDROME. Identifiers: Orphanet 2268, MedGen C0398788, MONDO:0000133.

Allele frequency attached by ClinVar (database versions not stated): 1000 Genomes Project 30x 0.00016; TOPMed 0.00064.
gnomAD v4.1: 198 of 1,614,148 alleles (0.012%); highest among the groups gnomAD compares: African/African-American, 0.18%; no homozygotes.

Submissions (3):

Labcorp Genetics (formerly Invitae), Labcorp
Classification: Likely benign for Centromeric instability of chromosomes 1,9 and 16 and immunodeficiency. Last evaluated: 2026-01-18. Review status: criteria provided, single submitter. Criteria: Invitae Variant Classification Sherloc (09022015). Collection method: clinical testing. Allele origin: germline.

Blueprint Genetics
Classification: Likely benign. Last evaluated: 2024-03-15. Review status: criteria provided, single submitter. Criteria: ACMG Guidelines, 2015. Collection method: clinical testing. Allele origin: germline.

CeGaT Center for Human Genetics Tuebingen
Classification: Likely benign. Last evaluated: 2022-10-01. Review status: criteria provided, single submitter. Criteria: CeGaT Center For Human Genetics Tuebingen Variant Classification Criteria Version 2. Collection method: clinical testing. Allele origin: germline. Affected: yes. Observed: 2 variant alleles.
Comment: DNMT3B: BP4, BP7